The following is an entry in ClinVar:

NM_003482.4(KMT2D):c.13735T>A (p.Phe4579Ile)

Gene: KMT2D (lysine methyltransferase 2D; minus strand). Cytogenetic location: 12q13.12.
Variant type: single nucleotide variant.
Coding change: c.13735T>A on transcript NM_003482.4 (MANE Select); coding-DNA position 13735, T replaced by A.
Protein change: p.Phe4579Ile; replaces phenylalanine 4579 with isoleucine.
Molecular consequence: missense variant.
Genome position (GRCh38, 1-based): chr12:49,030,705, A>T on the plus strand (T>A on the coding strand, the complement: KMT2D is on the minus strand). VCF-style: chr12-49030705-A-T. GRCh37 (hg19) VCF-style: chr12-49424488-A-T.
Other names: short protein forms F4579I.
Identifiers: ClinVar variation 1486809 (VCV001486809.9), dbSNP rs765658034, ClinGen allele CA236637837.

ClinVar aggregate classification (germline): Uncertain significance. Review status: criteria provided, multiple submitters, no conflicts (2 of 4 stars). 2 submissions from 2 submitters: Uncertain significance (2). Last evaluated 2024-01-31.

Conditions:
Kabuki syndrome. Also called: NIIKAWA-KUROKI SYNDROME; Kabuki make-up syndrome. Identifiers: Orphanet 2322, MedGen C0796004, MONDO:0016512.

Allele frequency attached by ClinVar (database versions not stated): TOPMed below 0.00001; gnomAD 0.00001; gnomAD exomes 0.00001.
gnomAD v4.1: 9 of 1,613,526 alleles (0.00056%); highest among the groups gnomAD compares: Non-Finnish European, 0.00076%; no homozygotes.

Submissions (2):

Blueprint Genetics
Classification: Uncertain significance. Last evaluated: 2024-01-31. Review status: criteria provided, single submitter. Criteria: ACMG Guidelines, 2015. Collection method: clinical testing. Allele origin: germline.

Labcorp Genetics (formerly Invitae), Labcorp
Classification: Uncertain significance for Kabuki syndrome. Last evaluated: 2021-06-24. Review status: criteria provided, single submitter. Criteria: Invitae Variant Classification Sherloc (09022015). Collection method: clinical testing. Allele origin: germline.
Comment: In summary, the available evidence is currently insufficient to determine the role of this variant in disease. Therefore, it has been classified as a Variant of Uncertain Significance. Algorithms developed to predict the effect of missense changes on protein structure and function are either unavailable or do not agree on the potential impact of this missense change (SIFT: "Deleterious"; PolyPhen-2: "Not Available"; Align-GVGD: "Class C0"). This variant has not been reported in the literature in individuals with KMT2D-related conditions. This variant is not present in population databases (ExAC no frequency). This sequence change replaces phenylalanine with isoleucine at codon 4579 of the KMT2D protein (p.Phe4579Ile). The phenylalanine residue is moderately conserved and there is a small physicochemical difference between phenylalanine and isoleucine.